The following is an entry in ClinVar:

NM_021830.5(TWNK):c.1596C>T (p.Ile532=)

Gene: TWNK (twinkle mtDNA helicase; plus strand). Cytogenetic location: 10q24.31.
Variant type: single nucleotide variant.
Coding change: c.1596C>T on transcript NM_021830.5 (MANE Select); coding-DNA position 1596, C replaced by T.
Protein change: p.Ile532=; no amino-acid change (isoleucine 532 retained).
Molecular consequence: synonymous variant. On other transcripts: non-coding transcript variant (5).
Genome position (GRCh38, 1-based): chr10:100,990,872, C>T. VCF-style: chr10-100990872-C-T. GRCh37 (hg19) VCF-style: chr10-102750629-C-T.
Other names: p.Ile532=; c.1596C>T, p.Ile532= (NM_001163812.2); c.234C>T, p.Ile78= (NM_001163813.2, NM_001163814.2, NM_001368275.1).
Identifiers: ClinVar variation 748951 (VCV000748951.50), dbSNP rs146690237, ClinGen allele CA5653291.

ClinVar aggregate classification (germline): Benign/Likely benign. Review status: criteria provided, multiple submitters, no conflicts (2 of 4 stars). 6 submissions from 6 submitters: Benign (1); Likely benign (5). Last evaluated 2026-08-01.

Conditions:
Hereditary spastic paraplegia. Also called: Familial spastic paraparesis. Identifiers: Orphanet 685, MedGen C0037773, MONDO:0019064. Disease mechanism: loss of function.

Allele frequency attached by ClinVar (database versions not stated): ExAC 0.00021; gnomAD exomes 0.00023 and 0.00025; gnomAD 0.00073 and 0.00078; TOPMed 0.00074; 1000 Genomes Project 0.00080; ESP Exome Variant Server 0.00092; 1000 Genomes Project 30x 0.00094.

Submissions (6):

CeGaT Center for Human Genetics Tuebingen
Classification: Likely benign. Last evaluated: 2026-08-01. Review status: criteria provided, single submitter. Criteria: CeGaT Center For Human Genetics Tuebingen Variant Classification Criteria Version 2. Collection method: clinical testing. Allele origin: germline. Affected: yes. Observed: 3 variant alleles.
Comment: TWNK: BP4, BP7

Labcorp Genetics (formerly Invitae), Labcorp
Classification: Benign. Last evaluated: 2026-01-24. Review status: criteria provided, single submitter. Criteria: Invitae Variant Classification Sherloc (09022015). Collection method: clinical testing. Allele origin: germline.

Mayo Clinic Laboratories, Mayo Clinic
Classification: Likely benign. Last evaluated: 2024-11-20. Review status: criteria provided, single submitter. Criteria: ACMG Guidelines, 2015. Collection method: clinical testing. Allele origin: germline. Observed: 8 variant alleles.
Comment: BP4, BP7

Blueprint Genetics
Classification: Likely benign. Last evaluated: 2024-10-15. Review status: criteria provided, single submitter. Criteria: ACMG Guidelines, 2015. Collection method: clinical testing. Allele origin: germline.

GeneDx
Classification: Likely benign. Last evaluated: 2021-05-10. Review status: criteria provided, single submitter. Criteria: GeneDx Variant Classification Process June 2021. Collection method: clinical testing. Allele origin: germline. Affected: yes.

Genome Diagnostics Laboratory, The Hospital for Sick Children
Classification: Likely benign for Hereditary spastic paraplegia. Last evaluated: 2020-11-25. Review status: criteria provided, single submitter. Criteria: ACMG Guidelines, 2015. Collection method: clinical testing. Allele origin: germline. Affected: yes.